The following is an entry in ClinVar:

ClinVar aggregate classification (germline): Uncertain significance (1 of 4 stars; one submission).

Allele frequency attached by ClinVar (database versions not stated): gnomAD 0.00001; TOPMed 0.00002.
gnomAD v4.1: 3 of 1,614,112 alleles (0.00019%); highest among the groups gnomAD compares: South Asian, 0.0022%; no homozygotes.

Submission:

Labcorp Genetics (formerly Invitae), Labcorp
Classification: Uncertain significance. Last evaluated: 2021-07-11. Review status: criteria provided, single submitter. Criteria: Invitae Variant Classification Sherloc (09022015). Collection method: clinical testing. Allele origin: germline.
Comment: This sequence change replaces valine with methionine at codon 838 of the CLCN6 protein (p.Val838Met). The valine residue is highly conserved and there is a small physicochemical difference between valine and methionine. This variant is not present in population databases (ExAC no frequency). This variant has not been reported in the literature in individuals affected with CLCN6-related conditions. Algorithms developed to predict the effect of missense changes on protein structure and function are either unavailable or do not agree on the potential impact of this missense change (SIFT: "Deleterious"; PolyPhen-2: "Possibly Damaging"; Align-GVGD: "Class C0"). In summary, the available evidence is currently insufficient to determine the role of this variant in disease. Therefore, it has been classified as a Variant of Uncertain Significance.

NM_001286.5(CLCN6):c.2512G>A (p.Val838Met)

Genes: CLCN6 (chloride voltage-gated channel 6; plus strand), LOC129929417 (ATAC-STARR-seq lymphoblastoid active region 178; plus strand). Cytogenetic location: 1p36.22.
Variant type: single nucleotide variant.
Coding change: c.2512G>A on transcript NM_001286.5 (MANE Select); coding-DNA position 2512, G replaced by A.
Protein change: p.Val838Met; replaces valine 838 with methionine.
Molecular consequence: missense variant. On other transcripts: non-coding transcript variant (1).
Genome position (GRCh38, 1-based): chr1:11,838,643, G>A. VCF-style: chr1-11838643-G-A. GRCh37 (hg19) VCF-style: chr1-11898700-G-A.
Other names: c.2446G>A, p.Val816Met (NM_001256959.2); short protein forms V816M, V838M.
Identifiers: ClinVar variation 1467301 (VCV001467301.8), dbSNP rs1157522156, ClinGen allele CA338443885.